The following is an entry in ClinVar:

ClinVar aggregate classification (germline): Benign/Likely benign. Review status: criteria provided, multiple submitters, no conflicts (2 of 4 stars). 5 submissions from 5 submitters: Benign (1); Likely benign (4). Last evaluated 2025-05-13.

Conditions:
Classic or attenuated familial adenomatous polyposis. Identifiers: MedGen CN372698, MONDO:0021057.
Hereditary cancer-predisposing syndrome. Also called: Hereditary neoplastic syndrome; Hereditary Cancer Syndrome; Neoplastic Syndromes, Hereditary; Tumor predisposition. Identifiers: Orphanet 140162, MedGen C0027672, MeSH D009386, MONDO:0015356.
Familial adenomatous polyposis 1 (FAP1). Also called: FAMILIAL ADENOMATOUS POLYPOSIS 1, ATTENUATED; POLYPOSIS, ADENOMATOUS INTESTINAL. Identifiers: MedGen C2713442, MONDO:0021056, OMIM 175100. Disease mechanism: loss of function.

Allele frequency attached by ClinVar (database versions not stated): gnomAD exomes below 0.00001.

Submissions (5):

Labcorp Genetics (formerly Invitae), Labcorp
Classification: Likely benign for Familial adenomatous polyposis 1. Last evaluated: 2025-05-13. Review status: criteria provided, single submitter. Criteria: Invitae Variant Classification Sherloc (09022015). Collection method: clinical testing. Allele origin: germline.

All of Us Research Program, National Institutes of Health
Classification: Likely benign for Classic or attenuated familial adenomatous polyposis. Last evaluated: 2024-05-09. Review status: criteria provided, single submitter. Criteria: ACMG Guidelines, 2015. Collection method: clinical testing. Allele origin: germline. Inheritance: Autosomal dominant inheritance. Observed: 2 variant alleles, 2 heterozygotes.
Comment: This study involves interpretation of variants in research participants for the purpose of population health screening. Participant phenotype was not available at the time of variant classification. Additional details can be found in publication PMID: 35346344, PMCID: PMC8962531

Myriad Genetics, Inc.
Classification: Benign for Familial adenomatous polyposis 1. Last evaluated: 2024-03-18. Review status: criteria provided, single submitter. Criteria: Myriad Autosomal Dominant, Autosomal Recessive and X-Linked Classification Criteria (2023). Collection method: clinical testing. Allele origin: unknown.
Comment: This variant is considered benign. This variant is a silent/synonymous amino acid change and it is not expected to impact splicing.

Ambry Genetics
Classification: Likely benign for Hereditary cancer-predisposing syndrome. Last evaluated: 2019-12-11. Review status: criteria provided, single submitter. Criteria: Ambry Variant Classification Scheme 2023. Collection method: clinical testing. Allele origin: germline.

Color Diagnostics, LLC DBA Color Health
Classification: Likely benign for Hereditary cancer-predisposing syndrome. Last evaluated: 2016-12-23. Review status: criteria provided, single submitter. Criteria: ACMG Guidelines, 2015. Collection method: clinical testing. Allele origin: germline.

NM_000038.6(APC):c.3081T>C (p.Tyr1027=)

Gene: APC (APC regulator of Wnt signaling pathway; plus strand). Cytogenetic location: 5q22.2.
Variant type: single nucleotide variant.
Coding change: c.3081T>C on transcript NM_000038.6 (MANE Select); coding-DNA position 3081, T replaced by C.
Protein change: p.Tyr1027=; no amino-acid change (tyrosine 1027 retained).
Molecular consequence: synonymous variant.
Genome position (GRCh38, 1-based): chr5:112,838,675, T>C. VCF-style: chr5-112838675-T-C. GRCh37 (hg19) VCF-style: chr5-112174372-T-C.
Other names: c.3081T>C, p.Tyr1027= (NM_001127510.3, NM_001354895.2); c.3027T>C, p.Tyr1009= (NM_001127511.3); c.3135T>C, p.Tyr1045= (NM_001354896.2); c.3111T>C, p.Tyr1037= (NM_001354897.2); c.3006T>C, p.Tyr1002= (NM_001354898.2); c.2997T>C, p.Tyr999= (NM_001354899.2); c.2958T>C, p.Tyr986= (NM_001354900.2); c.2904T>C, p.Tyr968= (NM_001354901.2); and 5 more.
Identifiers: ClinVar variation 236584 (VCV000236584.18), dbSNP rs878853434, ClinGen allele CA10582303.